The following is an entry in ClinVar:

NM_000152.5(GAA):c.1075+1G>T

Gene: GAA (alpha glucosidase; plus strand). Cytogenetic location: 17q25.3.
Variant type: single nucleotide variant.
Coding change: c.1075+1G>T on transcript NM_000152.5 (MANE Select); the canonical splice donor site of the intron after coding-DNA position 1075, G replaced by T.
Molecular consequence: splice donor variant.
Genome position (GRCh38, 1-based): chr17:80,108,410, G>T. VCF-style: chr17-80108410-G-T. GRCh37 (hg19) VCF-style: chr17-78082209-G-T.
Other names: c.1075+1G>T (NM_001406741.1, NM_001406742.1, NM_001079803.3 and 1 more transcripts).
Identifiers: ClinVar variation 2675762 (VCV002675762.4), dbSNP rs2039146031, ClinGen allele CA401364842.

ClinVar aggregate classification (germline): Likely pathogenic. Review status: criteria provided, multiple submitters, no conflicts (2 of 4 stars). 2 submissions from 2 submitters: Likely pathogenic (2). Last evaluated 2026-07-01.

Conditions:
Glycogen storage disease, type II (IOPD). Also called: Glycogen storage disease type 2; Acid maltase deficiency disease; Aglucosidase alfa; Deficiency of alpha-glucosidase; Deficiency of lysosomal alpha-glucosidase; Glucosidase acid-1,4-alpha deficiency. Identifiers: Orphanet 365, MedGen C0017921, MONDO:0009290, OMIM 232300.

Allele frequency attached by ClinVar (database versions not stated): TOPMed below 0.00001.
gnomAD v4.1: 1 of 1,613,340 alleles (0.000062%); highest among the groups gnomAD compares: Non-Finnish European, 0.000085%; no homozygotes.

Submissions (2):

Genomenon, Inc
Classification: Likely pathogenic for Glycogen storage disease, type II. Last evaluated: 2026-07-01. Review status: criteria provided, single submitter. Criteria: Genomenon Sequence Variant Interpretation Standards - Updated. Collection method: curation. Allele origin: germline. Affected: yes.
Comment: GAA c.1075+1G>T is a canonical splice variant affecting the donor splice site of intron 6. It is predicted to affect mRNA splicing, leading to a deleterious effect on the GAA protein. This variant has been observed in at least one proband with a GAA-related disorder in the compound heterozygous and/or homozygous state (PMID:34357340). It is absent or not present at a significant frequency in gnomAD. In conclusion, we classify GAA c.1075+1G>T as a likely pathogenic variant.

Fulgent Genetics
Classification: Likely pathogenic for Glycogen storage disease, type II. Last evaluated: 2024-03-26. Review status: criteria provided, single submitter. Criteria: ACMG Guidelines, 2015. Collection method: clinical testing. Allele origin: germline.

Literature cited by the submitters: PubMed 34357340 (cited by Genomenon, Inc).